The following is an entry in ClinVar:

ClinVar aggregate classification (germline): Likely benign (1 of 4 stars; one submission).

Submission:

CeGaT Center for Human Genetics Tuebingen
Classification: Likely benign. Last evaluated: 2026-09-01. Review status: criteria provided, single submitter. Criteria: CeGaT Center For Human Genetics Tuebingen Variant Classification Criteria Version 2. Collection method: clinical testing. Allele origin: germline. Affected: yes. Observed: 1 variant allele.
Comment: MAP1B: PM2:Supporting, BP4, BP7

NM_005909.5(MAP1B):c.3105G>A (p.Glu1035=)

Gene: MAP1B (microtubule associated protein 1B; plus strand). Cytogenetic location: 5q13.2.
Variant type: single nucleotide variant.
Coding change: c.3105G>A on transcript NM_005909.5 (MANE Select); coding-DNA position 3105, G replaced by A.
Protein change: p.Glu1035=; no amino-acid change (glutamic acid 1035 retained).
Molecular consequence: synonymous variant.
Genome position (GRCh38, 1-based): chr5:72,196,460, G>A. VCF-style: chr5-72196460-G-A. GRCh37 (hg19) VCF-style: chr5-71492287-G-A.
Other names: c.2727G>A, p.Glu909= (NM_001324255.2).
Identifiers: ClinVar variation 5040896 (VCV005040896.1).